The following is an entry in ClinVar:

ClinVar aggregate classification (germline): Uncertain significance (1 of 4 stars; one submission).

Conditions:
Congenital glucose-galactose malabsorption (GGM). Also called: MONOSACCHARIDE MALABSORPTION; DIARRHEA 16. Identifiers: Orphanet 35710, MedGen C0268186, MONDO:0011731, OMIM 606824.

Allele frequency attached by ClinVar (database versions not stated): TOPMed below 0.00001; gnomAD 0.00001.
gnomAD v4.1: 5 of 1,614,014 alleles (0.00031%); highest among the groups gnomAD compares: Non-Finnish European, 0.00042%; no homozygotes.

Submission:

Labcorp Genetics (formerly Invitae), Labcorp
Classification: Uncertain significance for Congenital glucose-galactose malabsorption. Last evaluated: 2021-04-08. Review status: criteria provided, single submitter. Criteria: Invitae Variant Classification Sherloc (09022015). Collection method: clinical testing. Allele origin: germline.
Comment: This sequence change replaces isoleucine with threonine at codon 217 of the SLC5A1 protein (p.Ile217Thr). The isoleucine residue is highly conserved and there is a moderate physicochemical difference between isoleucine and threonine. This variant is not present in population databases (ExAC no frequency). This variant has not been reported in the literature in individuals with SLC5A1-related conditions. Algorithms developed to predict the effect of missense changes on protein structure and function (SIFT, PolyPhen-2, Align-GVGD) all suggest that this variant is likely to be disruptive, but these predictions have not been confirmed by published functional studies and their clinical significance is uncertain. In summary, the available evidence is currently insufficient to determine the role of this variant in disease. Therefore, it has been classified as a Variant of Uncertain Significance.

NM_000343.4(SLC5A1):c.650T>C (p.Ile217Thr)

Gene: SLC5A1 (solute carrier family 5 member 1; plus strand). Cytogenetic location: 22q12.3.
Variant type: single nucleotide variant.
Coding change: c.650T>C on transcript NM_000343.4 (MANE Select); coding-DNA position 650, T replaced by C.
Protein change: p.Ile217Thr; replaces isoleucine 217 with threonine.
Molecular consequence: missense variant.
Genome position (GRCh38, 1-based): chr22:32,083,140, T>C. VCF-style: chr22-32083140-T-C. GRCh37 (hg19) VCF-style: chr22-32479127-T-C.
Other names: c.269T>C, p.Ile90Thr (NM_001256314.2); short protein forms I217T, I90T.
Identifiers: ClinVar variation 1518973 (VCV001518973.7), dbSNP rs1253967489, ClinGen allele CA411302923.